The following is an entry in ClinVar:

NM_001371194.2(SEMA4D):c.1751G>A (p.Arg584Gln)

Gene: SEMA4D (semaphorin 4D; minus strand). Cytogenetic location: 9q22.2.
Variant type: single nucleotide variant.
Coding change: c.1751G>A on transcript NM_001371194.2 (MANE Select); coding-DNA position 1751, G replaced by A.
Protein change: p.Arg584Gln; replaces arginine 584 with glutamine.
Molecular consequence: missense variant. On other transcripts: intron variant (6).
Genome position (GRCh38, 1-based): chr9:89,379,542, C>T on the plus strand (G>A on the coding strand, the complement: SEMA4D is on the minus strand). VCF-style: chr9-89379542-C-T. GRCh37 (hg19) VCF-style: chr9-91994457-C-T.
Other names: c.1751G>A, p.Arg584Gln (NM_001371195.1, NM_001371196.1, NM_001371197.1 and 1 more transcripts); c.1663+1513G>A (NM_001371198.1, NM_001371201.1, NM_001371202.1 and 3 more transcripts); short protein forms R584Q.
Identifiers: ClinVar variation 3025537 (VCV003025537.22), dbSNP rs749016931, ClinGen allele CA5118235.
Genomic context (GRCh38, chr9:89,379,542, plus strand): 5'-ATAAGACCGTACTTGGGGCTCTCGGCCTTCAACACGCCATTCTGGAACTTCCAAAAGACC[C>T]GGGCCAGGTTGGATTTTTGGGAGCATTTCAGTTCCGCTGTGCCACCGTGCTTGAAAAAAT-3'
Protein context (NP_001358123.1, residues 574-594): LKCSQKSNLA[Arg584Gln]VFWKFQNGVL

ClinVar aggregate classification (germline): Likely benign (1 of 4 stars; one submission).

Allele frequency attached by ClinVar (database versions not stated): gnomAD 0.00007; ExAC 0.00014.
gnomAD v4.1: 170 of 1,614,036 alleles (0.011%); highest among the groups gnomAD compares: South Asian, 0.038%; 3 homozygotes.

Submission:

CeGaT Center for Human Genetics Tuebingen
Classification: Likely benign. Last evaluated: 2023-12-01. Review status: criteria provided, single submitter. Criteria: CeGaT Center For Human Genetics Tuebingen Variant Classification Criteria Version 2. Collection method: clinical testing. Allele origin: germline. Affected: yes. Observed: 1 variant allele.
Comment: SEMA4D: BP4, BS2